The following is an entry in ClinVar:

NM_000176.3(NR3C1):c.1310C>T (p.Thr437Ile)

Gene: NR3C1 (nuclear receptor subfamily 3 group C member 1; minus strand). Cytogenetic location: 5q31.3.
Variant type: single nucleotide variant.
Coding change: c.1310C>T on transcript NM_000176.3 (MANE Select); coding-DNA position 1310, C replaced by T.
Protein change: p.Thr437Ile; replaces threonine 437 with isoleucine.
Molecular consequence: missense variant. On other transcripts: non-coding transcript variant (1).
Genome position (GRCh38, 1-based): chr5:143,314,043, G>A on the plus strand (C>T on the coding strand, the complement: NR3C1 is on the minus strand). VCF-style: chr5-143314043-G-A. GRCh37 (hg19) VCF-style: chr5-142693608-G-A.
Other names: c.1310C>T, p.Thr437Ile (NM_001018074.1, NM_001018075.1, NM_001018076.2 and 10 more transcripts); c.1232C>T, p.Thr411Ile (NM_001204258.2); c.1055C>T, p.Thr352Ile (NM_001204259.2); c.1043C>T, p.Thr348Ile (NM_001204260.2); c.1019C>T, p.Thr340Ile (NM_001204261.2); c.365C>T, p.Thr122Ile (NM_001204262.2); c.320C>T, p.Thr107Ile (NM_001204263.2); c.305C>T, p.Thr102Ile (NM_001204264.2); short protein forms T102I, T107I, T122I, T340I, T348I, T352I, T411I, T437I.
Identifiers: ClinVar variation 1309584 (VCV001309584.2), dbSNP rs2151620342, ClinGen allele CA361864493.
Genomic context (GRCh38, chr5:143,314,043, plus strand): 5'-TCTTCAAAACACACACTACCTTCCACTGCTCTTTTGAAGAAAACTTTACAGCTTCCACAA[G>A]TTAAGACTCCATAATGACATCCTGAAGCTTCATCAGAGCACACCAGGCAGAGTTTGGGAG-3'
Protein context (NP_000167.1, residues 427-447): EASGCHYGVL[Thr437Ile]CGSCKVFFKR

ClinVar aggregate classification (germline): Uncertain significance (1 of 4 stars; one submission).

Submission:

GeneDx
Classification: Uncertain significance. Last evaluated: 2019-11-01. Review status: criteria provided, single submitter. Criteria: GeneDx Variant Classification Process June 2021. Collection method: clinical testing. Allele origin: germline. Affected: yes.
Comment: Not observed in large population cohorts (Lek et al., 2016); In silico analysis, which includes protein predictors and evolutionary conservation, supports a deleterious effect; Has not been previously published as pathogenic or benign to our knowledge